The following is an entry in ClinVar:

NM_033004.4(NLRP1):c.1477T>C (p.Tyr493His)

Gene: NLRP1 (NLR family pyrin domain containing 1; minus strand). Cytogenetic location: 17p13.2.
Variant type: single nucleotide variant.
Coding change: c.1477T>C on transcript NM_033004.4 (MANE Select); coding-DNA position 1477, T replaced by C.
Protein change: p.Tyr493His; replaces tyrosine 493 with histidine.
Molecular consequence: missense variant.
Genome position (GRCh38, 1-based): chr17:5,559,219, A>G on the plus strand (T>C on the coding strand, the complement: NLRP1 is on the minus strand). VCF-style: chr17-5559219-A-G. GRCh37 (hg19) VCF-style: chr17-5462539-A-G.
Other names: c.1477T>C, p.Tyr493His (NM_001033053.3, NM_014922.5, NM_033006.4 and 1 more transcripts); short protein forms Y493H.
Identifiers: ClinVar variation 3637904 (VCV003637904.2).

ClinVar aggregate classification (germline): Uncertain significance (1 of 4 stars; one submission).

gnomAD v4.1: 1 of 1,614,184 alleles (0.000062%); highest among the groups gnomAD compares: Non-Finnish European, 0.000085%; no homozygotes.

Submission:

Labcorp Genetics (formerly Invitae), Labcorp
Classification: Uncertain significance. Last evaluated: 2024-01-31. Review status: criteria provided, single submitter. Criteria: Invitae Variant Classification Sherloc (09022015). Collection method: clinical testing. Allele origin: germline.
Comment: This sequence change replaces tyrosine, which is neutral and polar, with histidine, which is basic and polar, at codon 493 of the NLRP1 protein (p.Tyr493His). This variant is not present in population databases (gnomAD no frequency). This variant has not been reported in the literature in individuals affected with NLRP1-related conditions. An algorithm developed to predict the effect of missense changes on protein structure and function (PolyPhen-2) suggests that this variant is likely to be disruptive. In summary, the available evidence is currently insufficient to determine the role of this variant in disease. Therefore, it has been classified as a Variant of Uncertain Significance.